The following is an entry in ClinVar:

NM_001110556.2(FLNA):c.20G>A (p.Arg7Gln)

Gene: FLNA (filamin A; minus strand). Cytogenetic location: Xq28.
Variant type: single nucleotide variant.
Coding change: c.20G>A on transcript NM_001110556.2 (MANE Select); coding-DNA position 20, G replaced by A.
Protein change: p.Arg7Gln; replaces arginine 7 with glutamine.
Molecular consequence: missense variant.
Genome position (GRCh38, 1-based): chrX:154,371,226, C>T on the plus strand (G>A on the coding strand, the complement: FLNA is on the minus strand). VCF-style: chrX-154371226-C-T. GRCh37 (hg19) VCF-style: chrX-153599594-C-T.
Other names: c.20G>A, p.Arg7Gln (NM_001456.4); short protein forms R7Q.
Identifiers: ClinVar variation 5037691 (VCV005037691.1).

ClinVar aggregate classification (germline): Uncertain significance (1 of 4 stars; one submission).

gnomAD v4.1: 9 of 1,201,166 alleles (0.00075%); highest among the groups gnomAD compares: Non-Finnish European, 0.001%; no homozygotes.

Submission:

GeneDx
Classification: Uncertain significance. Last evaluated: 2026-04-18. Review status: criteria provided, single submitter. Criteria: GeneDx Variant Classification Process June 2021. Collection method: clinical testing. Allele origin: germline.
Comment: Not observed at significant frequency in large population cohorts (gnomAD); In silico analysis suggests that this missense variant does not alter protein structure/function; Has not been previously published as pathogenic or benign to our knowledge; In silico analysis suggests this variant may impact gene splicing. In the absence of RNA/functional studies, the actual effect of this sequence change is unknown.